The following is an entry in ClinVar:

NM_000535.7(PMS2):c.1161G>A (p.Met387Ile)

Gene: PMS2 (PMS1 homolog 2, mismatch repair system component; minus strand). Cytogenetic location: 7p22.1.
Variant type: single nucleotide variant.
Coding change: c.1161G>A on transcript NM_000535.7 (MANE Select); coding-DNA position 1161, G replaced by A.
Protein change: p.Met387Ile; replaces methionine 387 with isoleucine.
Molecular consequence: missense variant. On other transcripts: non-coding transcript variant (1).
Genome position (GRCh38, 1-based): chr7:5,987,604, C>T on the plus strand (G>A on the coding strand, the complement: PMS2 is on the minus strand). VCF-style: chr7-5987604-C-T. GRCh37 (hg19) VCF-style: chr7-6027235-C-T.
Other names: c.756G>A, p.Met252Ile (NM_001406894.1, NM_001406895.1, NM_001406896.1 and 17 more transcripts); c.687G>A, p.Met229Ile (NM_001406901.1, NM_001406902.1); c.843G>A, p.Met281Ile (NM_001406903.1, NM_001322007.2, NM_001322008.2 and 2 more transcripts); c.648G>A, p.Met216Ile (NM_001406904.1, NM_001406905.1); c.600G>A, p.Met200Ile (NM_001406906.1, NM_001406907.1, NM_001322010.2); c.696G>A, p.Met232Ile (NM_001406900.1); c.1005G>A, p.Met335Ile (NM_001322006.2, NM_001406870.1); c.228G>A, p.Met76Ile (NM_001322011.2, NM_001322012.2); and 12 more; short protein forms M232I, M265I, M275I, M279I, M387I, M449I, M76I, M130I.
Identifiers: ClinVar variation 1736942 (VCV001736942.2), dbSNP rs2128737094, ClinGen allele CA366742669.

ClinVar aggregate classification (germline): Uncertain significance (1 of 4 stars; one submission).

Conditions:
Hereditary cancer-predisposing syndrome. Also called: Neoplastic Syndromes, Hereditary; Tumor predisposition; Hereditary Cancer Syndrome; Hereditary neoplastic syndrome. Identifiers: Orphanet 140162, MedGen C0027672, MeSH D009386, MONDO:0015356.

Submission:

Ambry Genetics
Classification: Uncertain significance for Hereditary cancer-predisposing syndrome. Last evaluated: 2020-08-24. Review status: criteria provided, single submitter. Criteria: Ambry Variant Classification Scheme 2023. Collection method: clinical testing. Allele origin: germline.
Comment: The p.M387I variant (also known as c.1161G>A), located in coding exon 11 of the PMS2 gene, results from a G to A substitution at nucleotide position 1161. The methionine at codon 387 is replaced by isoleucine, an amino acid with highly similar properties. This amino acid position is poorly conserved in available vertebrate species. In addition, this alteration is predicted to be tolerated by in silico analysis. Since supporting evidence is limited at this time, the clinical significance of this alteration remains unclear.